The following is an entry in ClinVar:

NM_000038.6(APC):c.3439T>C (p.Tyr1147His)

Gene: APC (APC regulator of Wnt signaling pathway; plus strand). Cytogenetic location: 5q22.2.
Variant type: single nucleotide variant.
Coding change: c.3439T>C on transcript NM_000038.6 (MANE Select); coding-DNA position 3439, T replaced by C.
Protein change: p.Tyr1147His; replaces tyrosine 1147 with histidine.
Molecular consequence: missense variant. On other transcripts: non-coding transcript variant (2).
Genome position (GRCh38, 1-based): chr5:112,839,033, T>C. VCF-style: chr5-112839033-T-C. GRCh37 (hg19) VCF-style: chr5-112174730-T-C.
Other names: c.3493T>C, p.Tyr1165His (NM_001354896.2, NM_001407447.1, NM_001407448.1 and 1 more transcripts); c.3469T>C, p.Tyr1157His (NM_001354897.2); c.3364T>C, p.Tyr1122His (NM_001354898.2); c.3355T>C, p.Tyr1119His (NM_001354899.2); c.3316T>C, p.Tyr1106His (NM_001354900.2); c.3262T>C, p.Tyr1088His (NM_001354901.2, NM_001407453.1); c.3166T>C, p.Tyr1056His (NM_001354902.2); c.3136T>C, p.Tyr1046His (NM_001354903.2, NM_001407458.1, NM_001407459.1 and 1 more transcripts); and 11 more; short protein forms Y1119H, Y1157H, Y763H, Y1137H, Y864H, Y987H, Y1021H, Y1106H.
Identifiers: ClinVar variation 2732762 (VCV002732762.3), dbSNP rs2533498047, ClinGen allele CA16028871.

ClinVar aggregate classification (germline): Uncertain significance (1 of 4 stars; one submission).

Conditions:
Familial adenomatous polyposis 1 (FAP1). Also called: FAMILIAL ADENOMATOUS POLYPOSIS 1, ATTENUATED; POLYPOSIS, ADENOMATOUS INTESTINAL. Identifiers: MedGen C2713442, MONDO:0021056, OMIM 175100. Disease mechanism: loss of function.

Submission:

Labcorp Genetics (formerly Invitae), Labcorp
Classification: Uncertain significance for Familial adenomatous polyposis 1. Last evaluated: 2023-06-29. Review status: criteria provided, single submitter. Criteria: Invitae Variant Classification Sherloc (09022015). Collection method: clinical testing. Allele origin: germline.
Comment: This sequence change replaces tyrosine, which is neutral and polar, with histidine, which is basic and polar, at codon 1147 of the APC protein (p.Tyr1147His). This variant is not present in population databases (gnomAD no frequency). This variant has not been reported in the literature in individuals affected with APC-related conditions. Advanced modeling of protein sequence and biophysical properties (such as structural, functional, and spatial information, amino acid conservation, physicochemical variation, residue mobility, and thermodynamic stability) performed at Invitae indicates that this missense variant is not expected to disrupt APC protein function. In summary, the available evidence is currently insufficient to determine the role of this variant in disease. Therefore, it has been classified as a Variant of Uncertain Significance.